The following is an entry in ClinVar:

ClinVar aggregate classification (germline): Uncertain significance (1 of 4 stars; one submission).

gnomAD v4.1: 8 of 1,303,484 alleles (0.00061%); highest among the groups gnomAD compares: Admixed American, 0.0023%; no homozygotes.

Submission:

Labcorp Genetics (formerly Invitae), Labcorp
Classification: Uncertain significance. Last evaluated: 2025-06-03. Review status: criteria provided, single submitter. Criteria: Invitae Variant Classification Sherloc (09022015). Collection method: clinical testing. Allele origin: germline.
Comment: This sequence change replaces arginine, which is basic and polar, with isoleucine, which is neutral and non-polar, at codon 1016 of the ERCC6L2 protein (p.Arg1016Ile). This variant is not present in population databases (gnomAD no frequency). This variant has not been reported in the literature in individuals affected with ERCC6L2-related conditions. ClinVar contains an entry for this variant (Variation ID: 3620829). Experimental studies and prediction algorithms are not available or were not evaluated, and the functional significance of this variant is currently unknown. In summary, the available evidence is currently insufficient to determine the role of this variant in disease. Therefore, it has been classified as a Variant of Uncertain Significance.

NM_020207.7(ERCC6L2):c.3014G>T (p.Arg1005Ile)

Gene: ERCC6L2 (ERCC excision repair 6 like 2; plus strand). Cytogenetic location: 9q22.32.
Variant type: single nucleotide variant.
Coding change: c.3014G>T on transcript NM_020207.7 (MANE Select); coding-DNA position 3014, G replaced by T.
Protein change: p.Arg1005Ile; replaces arginine 1005 with isoleucine.
Molecular consequence: missense variant. On other transcripts: non-coding transcript variant (1).
Genome position (GRCh38, 1-based): chr9:95,972,765, G>T. VCF-style: chr9-95972765-G-T. GRCh37 (hg19) VCF-style: chr9-98735047-G-T.
Other names: c.3014G>T, p.Arg1005Ile (NM_001375291.1, NM_001375292.1, NM_001375293.1 and 1 more transcripts); short protein forms R1005I.
Identifiers: ClinVar variation 3620829 (VCV003620829.2).